The following is an entry in ClinVar:

NM_005157.6(ABL1):c.1644del (p.Glu549fs)

Gene: ABL1 (ABL proto-oncogene 1, non-receptor tyrosine kinase; plus strand). Cytogenetic location: 9q34.12.
Variant type: Deletion.
Coding change: c.1644del on transcript NM_005157.6 (MANE Select); coding-DNA position 1644, one base deleted (T; older notation c.1644delT).
Protein change: p.Glu549fs; shifts the reading frame from glutamic acid 549.
Molecular consequence: frameshift variant.
Genome position (GRCh38, 1-based): chr9:130,880,630, T deleted. VCF-style (leftmost placement, unchanged base first): chr9-130880629-CT-C. GRCh37 (hg19) VCF-style: chr9-133756016-CT-C.
Other names: c.1701del, p.Glu568fs (NM_007313.3); short protein forms E549fs, E568fs.
Identifiers: ClinVar variation 4975790 (VCV004975790.1).

ClinVar aggregate classification (germline): Uncertain significance (1 of 4 stars; one submission).

Submission:

GeneDx
Classification: Uncertain significance. Last evaluated: 2026-02-02. Review status: criteria provided, single submitter. Criteria: GeneDx Variant Classification Process June 2021. Collection method: clinical testing. Allele origin: germline.
Comment: Not observed at significant frequency in large population cohorts (gnomAD); Frameshift variant predicted to result in abnormal protein length as the last 582 amino acid(s) are replaced with 35 different amino acid(s); Has not been previously published as pathogenic or benign to our knowledge